The following is an entry in ClinVar:

ClinVar aggregate classification (germline): Uncertain significance (1 of 4 stars; one submission).

Allele frequency attached by ClinVar (database versions not stated): gnomAD exomes below 0.00001.
gnomAD v4.1: 1 of 1,611,492 alleles (0.000062%); highest among the groups gnomAD compares: Non-Finnish European, 0.000085%; no homozygotes.

Submission:

Ambry Genetics
Classification: Uncertain significance. Last evaluated: 2023-01-22. Review status: criteria provided, single submitter. Criteria: Ambry Variant Classification Scheme 2023. Collection method: clinical testing. Allele origin: germline.
Comment: The p.T185M variant (also known as c.554C>T), located in coding exon 1 of the EGLN1 gene, results from a C to T substitution at nucleotide position 554. The threonine at codon 185 is replaced by methionine, an amino acid with similar properties. This amino acid position is conserved. In addition, this alteration is predicted to be tolerated by in silico analysis. Since supporting evidence is limited at this time, the clinical significance of this alteration remains unclear.

NM_022051.3(EGLN1):c.554C>T (p.Thr185Met)

Gene: EGLN1 (egl-9 family hypoxia inducible factor 1; minus strand). Cytogenetic location: 1q42.2.
Variant type: single nucleotide variant.
Coding change: c.554C>T on transcript NM_022051.3 (MANE Select); coding-DNA position 554, C replaced by T.
Protein change: p.Thr185Met; replaces threonine 185 with methionine.
Molecular consequence: missense variant.
Genome position (GRCh38, 1-based): chr1:231,421,335, G>A on the plus strand (C>T on the coding strand, the complement: EGLN1 is on the minus strand). VCF-style: chr1-231421335-G-A. GRCh37 (hg19) VCF-style: chr1-231557081-G-A.
Other names: c.554C>T, p.Thr185Met (NM_001377260.1, NM_001377261.1); short protein forms T185M.
Identifiers: ClinVar variation 2497585 (VCV002497585.2), dbSNP rs1656586589, ClinGen allele CA345236617.